The following is an entry in ClinVar:

NM_001042517.2(DIAPH3):c.2324G>C (p.Ser775Thr)

Gene: DIAPH3 (diaphanous related formin 3; minus strand). Cytogenetic location: 13q21.2.
Variant type: single nucleotide variant.
Coding change: c.2324G>C on transcript NM_001042517.2 (MANE Select); coding-DNA position 2324, G replaced by C.
Protein change: p.Ser775Thr; replaces serine 775 with threonine.
Molecular consequence: missense variant.
Genome position (GRCh38, 1-based): chr13:59,911,778, C>G on the plus strand (G>C on the coding strand, the complement: DIAPH3 is on the minus strand). VCF-style: chr13-59911778-C-G. GRCh37 (hg19) VCF-style: chr13-60485912-C-G.
Other names: c.2291G>C, p.Ser764Thr (NM_001258366.2); c.2186G>C, p.Ser729Thr (NM_001258367.2); c.2114G>C, p.Ser705Thr (NM_001258368.2); c.2324G>C, p.Ser775Thr (NM_001258369.2); c.1535G>C, p.Ser512Thr (NM_001258370.2, NM_030932.4); short protein forms S775T, S512T, S705T, S729T, S764T.
Identifiers: ClinVar variation 1363440 (VCV001363440.8), dbSNP rs1344736987, ClinGen allele CA388330867.
Genomic context (GRCh38, chr13:59,911,778, plus strand): 5'-TGAGACTCGGTACTTACCACAACCACAAACTGCTCAGGTTCACATAAGTTGCTATATTCA[C>G]TCTTGAACTGAGACAATGAATTTAATTGCTCTTGATCAGGAAGATGCTTTATTAAGTTCT-3'
Protein context (NP_001035982.1, residues 765-785): EQLNSLSQFK[Ser775Thr]EYSNLCEPEQ

ClinVar aggregate classification (germline): Uncertain significance (1 of 4 stars; one submission).

gnomAD v4.1: 1 of 1,613,638 alleles (0.000062%); highest among the groups gnomAD compares: Non-Finnish European, 0.000085%; no homozygotes.

Submission:

Labcorp Genetics (formerly Invitae), Labcorp
Classification: Uncertain significance. Last evaluated: 2024-11-11. Review status: criteria provided, single submitter. Criteria: Invitae Variant Classification Sherloc (09022015). Collection method: clinical testing. Allele origin: germline.
Comment: This sequence change replaces serine, which is neutral and polar, with threonine, which is neutral and polar, at codon 775 of the DIAPH3 protein (p.Ser775Thr). This variant is not present in population databases (gnomAD no frequency). This variant has not been reported in the literature in individuals affected with DIAPH3-related conditions. ClinVar contains an entry for this variant (Variation ID: 1363440). An algorithm developed to predict the effect of missense changes on protein structure and function (PolyPhen-2) suggests that this variant is likely to be tolerated. In summary, the available evidence is currently insufficient to determine the role of this variant in disease. Therefore, it has been classified as a Variant of Uncertain Significance.